The following is an entry in ClinVar:

ClinVar aggregate classification (germline): Likely benign. Review status: criteria provided, multiple submitters, no conflicts (2 of 4 stars). 8 submissions from 8 submitters: Likely benign (6). 2 of the submissions do not count toward it. Last evaluated 2025-11-17.

Conditions:
ACTG1-related disorder. Also called: ACTG1-related condition; ACTG1-related disorders.
Autosomal dominant nonsyndromic hearing loss 20. Identifiers: Orphanet 90635, MedGen C1858172, MONDO:0011480, OMIM 604717.
Baraitser-winter syndrome 2. Identifiers: Orphanet 2995, MedGen C3281235, MONDO:0013812, OMIM 614583.

Allele frequency attached by ClinVar (database versions not stated): ESP Exome Variant Server 0.00008; 1000 Genomes Project 30x 0.00016; TOPMed 0.00016; 1000 Genomes Project 0.00020; gnomAD exomes 0.00021 and 0.00023; gnomAD 0.00023 and 0.00024; ExAC 0.00024.
gnomAD v4.1: 377 of 1,613,880 alleles (0.023%); highest among the groups gnomAD compares: Non-Finnish European, 0.028%; no homozygotes.

Submissions (8):

Labcorp Genetics (formerly Invitae), Labcorp
Classification: Likely benign for Baraitser-winter syndrome 2; Autosomal dominant nonsyndromic hearing loss 20. Last evaluated: 2025-11-17. Review status: criteria provided, single submitter. Criteria: Invitae Variant Classification Sherloc (09022015). Collection method: clinical testing. Allele origin: germline.

CeGaT Center for Human Genetics Tuebingen
Classification: Likely benign. Last evaluated: 2025-09-01. Review status: criteria provided, single submitter. Criteria: CeGaT Center For Human Genetics Tuebingen Variant Classification Criteria Version 2. Collection method: clinical testing. Allele origin: germline. Affected: yes. Observed: 4 variant alleles.
Comment: ACTG1: BP4, BP7

Laboratory of Genetics, Children's Clinical University Hospital Latvia
Classification: Likely benign. Last evaluated: 2025-02-16. Review status: criteria provided, single submitter. Criteria: ACMG Guidelines, 2015. Collection method: clinical testing. Allele origin: germline. Affected: yes.

Blueprint Genetics
Classification: Likely benign. Last evaluated: 2024-06-05. Review status: criteria provided, single submitter. Criteria: ACMG Guidelines, 2015. Collection method: clinical testing. Allele origin: germline.

GeneDx
Classification: Likely benign. Last evaluated: 2021-03-24. Review status: criteria provided, single submitter. Criteria: GeneDx Variant Classification Process June 2021. Collection method: clinical testing. Allele origin: germline. Affected: yes.

Laboratory for Molecular Medicine, Mass General Brigham Personalized Medicine
Classification: Likely benign. Last evaluated: 2012-04-30. Review status: criteria provided, single submitter. Criteria: LMM Criteria. Collection method: clinical testing. Allele origin: germline. Observed: 1 variant allele.
Comment: Tyr218Tyr in Exon 04 of ACTG1: This variant is not expected to have clinical sig nificance because it does not alter an amino acid residue, is not located within the splice consensus sequence, and has been identified in 1/7018 European Ameri can chromosomes from a broad population by the NHLBI Exome Sequencing Project.

PreventionGenetics, part of Exact Sciences
Classification: Likely benign for ACTG1-related condition. Last evaluated: 2020-06-09. Review status: no assertion criteria provided. Collection method: clinical testing. Allele origin: germline. Not counted in ClinVar's aggregate classification.
Comment: This variant is classified as likely benign based on ACMG/AMP sequence variant interpretation guidelines (Richards et al. 2015 PMID: 25741868, with internal and published modifications).

Genetic Services Laboratory, University of Chicago
Classification: Uncertain significance for Baraitser-Winter syndrome 2. Last evaluated: 2015-08-25. Review status: flagged submission. Criteria: ACMG Guidelines, 2015. Collection method: clinical testing. Allele origin: germline. Affected: no. Not counted in ClinVar's aggregate classification.
ClinVar note: Reason: Older and outlier claim with insufficient supporting evidence

NM_001614.5(ACTG1):c.654C>T (p.Tyr218=)

Gene: ACTG1 (actin gamma 1; minus strand). Cytogenetic location: 17q25.3.
Variant type: single nucleotide variant.
Coding change: c.654C>T on transcript NM_001614.5 (MANE Select); coding-DNA position 654, C replaced by T.
Protein change: p.Tyr218=; no amino-acid change (tyrosine 218 retained).
Molecular consequence: synonymous variant. On other transcripts: non-coding transcript variant (1).
Genome position (GRCh38, 1-based): chr17:81,511,336, G>A on the plus strand (C>T on the coding strand, the complement: ACTG1 is on the minus strand). VCF-style: chr17-81511336-G-A. GRCh37 (hg19) VCF-style: chr17-79478362-G-A.
Other names: c.654C>T, p.Tyr218= (NM_001199954.3).
Identifiers: ClinVar variation 434076 (VCV000434076.38), dbSNP rs182162229, ClinGen allele CA8836028.